The following is an entry in ClinVar:

ClinVar aggregate classification (germline): Likely pathogenic. Review status: criteria provided, multiple submitters, no conflicts (2 of 4 stars). 7 submissions from 7 submitters: Likely pathogenic (6). 1 of the submissions does not count toward it. Last evaluated 2023-09-19.

Conditions:
Hereditary nonpolyposis colorectal neoplasms. Identifiers: MedGen C0009405, MeSH D003123.
Lynch syndrome 4 (LYNCH4). Also called: Hereditary non-polyposis colorectal cancer, type 4; Colorectal cancer, hereditary nonpolyposis, type 4. Identifiers: Orphanet 144, MedGen C1838333, MONDO:0013699, OMIM 614337. Disease mechanism: loss of function.
Hereditary cancer-predisposing syndrome. Also called: Neoplastic Syndromes, Hereditary; Hereditary Cancer Syndrome; Tumor predisposition; Hereditary neoplastic syndrome. Identifiers: Orphanet 140162, MedGen C0027672, MeSH D009386, MONDO:0015356.

Submissions (7):

Myriad Genetics, Inc.
Classification: Likely pathogenic for Lynch syndrome 4. Last evaluated: 2023-09-19. Review status: criteria provided, single submitter. Criteria: Myriad Autosomal Dominant, Autosomal Recessive and X-Linked Classification Criteria (2023). Collection method: clinical testing. Allele origin: unknown.
Comment: This variant is considered likely pathogenic. This variant occurs within a consensus splice junction and is predicted to result in abnormal mRNA splicing of either an out-of-frame exon or an in-frame exon necessary for protein stability and/or normal function.

GeneDx
Classification: Likely pathogenic. Last evaluated: 2022-11-03. Review status: criteria provided, single submitter. Criteria: GeneDx Variant Classification Process June 2021. Collection method: clinical testing. Allele origin: germline. Affected: yes.
Comment: Canonical splice site variant predicted to result in a null allele in a gene for which loss of function is a known mechanism of disease; Not observed at significant frequency in large population cohorts (gnomAD); Observed in an individual with a personal history consistent with pathogenic variants in this gene in the published literature (Shuen et al., 2019); This variant is associated with the following publications: (PMID: 30608896)

Labcorp Genetics (formerly Invitae), Labcorp
Classification: Likely pathogenic for Hereditary nonpolyposis colorectal neoplasms. Last evaluated: 2022-10-25. Review status: criteria provided, single submitter. Criteria: Invitae Variant Classification Sherloc (09022015). Collection method: clinical testing. Allele origin: germline.
Comment: This sequence change affects a donor splice site in intron 8 of the PMS2 gene. It is expected to disrupt RNA splicing. Variants that disrupt the donor or acceptor splice site typically lead to a loss of protein function (PMID: 16199547), and loss-of-function variants in PMS2 are known to be pathogenic (PMID: 21376568, 24362816). In summary, the currently available evidence indicates that the variant is pathogenic, but additional data are needed to prove that conclusively. Therefore, this variant has been classified as Likely Pathogenic. Algorithms developed to predict the effect of sequence changes on RNA splicing suggest that this variant may disrupt the consensus splice site. ClinVar contains an entry for this variant (Variation ID: 993233). This variant has not been reported in the literature in individuals affected with PMS2-related conditions. This variant is not present in population databases (gnomAD no frequency).

Baylor Genetics
Classification: Likely pathogenic for Lynch syndrome 4. Last evaluated: 2020-12-29. Review status: criteria provided, single submitter. Criteria: ACMG Guidelines, 2015. Collection method: clinical testing. Allele origin: unknown.

Quest Diagnostics Nichols Institute San Juan Capistrano
Classification: Likely pathogenic. Last evaluated: 2019-12-20. Review status: criteria provided, single submitter. Criteria: Quest Diagnostics criteria. Collection method: clinical testing. Allele origin: unknown.
Comment: The variant disrupts a canonical splice site, and is therefore predicted to result in the loss of a functional protein. Not found in the total gnomAD dataset, and the data is high quality.

Ambry Genetics
Classification: Likely pathogenic for Hereditary cancer-predisposing syndrome. Last evaluated: 2019-08-29. Review status: criteria provided, single submitter. Criteria: Ambry Variant Classification Scheme 2023. Collection method: clinical testing. Allele origin: germline.
Comment: The c.903+1G>A intronic variant results from a G to A substitution one nucleotide after coding exon 8 of the PMS2 gene. This nucleotide position is highly conserved in available vertebrate species. Using the BDGP and ESEfinder splice site prediction tools, this alteration is predicted to abolish the native splice donor site; however, direct evidence is unavailable. Alterations that disrupt the canonical splice site are expected to cause aberrant splicing, resulting in an abnormal protein or a transcript that is subject to nonsense-mediated mRNA decay. As such, this alteration is classified as likely pathogenic.

Department of Pathology and Laboratory Medicine, Sinai Health System
Classification: Uncertain significance. Review status: no assertion criteria provided. Collection method: clinical testing. Allele origin: unknown. Affected: yes. Study: The Canadian Open Genetics Repository (COGR). Not counted in ClinVar's aggregate classification.

Literature cited by the submitters: PubMed 16199547 (cited by Labcorp Genetics (formerly Invitae), Labcorp); PubMed 21376568 (cited by Labcorp Genetics (formerly Invitae), Labcorp); PubMed 24362816 (cited by Labcorp Genetics (formerly Invitae), Labcorp).

NM_000535.7(PMS2):c.903+1G>A

Gene: PMS2 (PMS1 homolog 2, mismatch repair system component; minus strand). Cytogenetic location: 7p22.1.
Variant type: single nucleotide variant.
Coding change: c.903+1G>A on transcript NM_000535.7 (MANE Select); the canonical splice donor site of the intron after coding-DNA position 903, G replaced by A.
Molecular consequence: splice donor variant. On other transcripts: intron variant (4).
Genome position (GRCh38, 1-based): chr7:5,995,533, C>T on the plus strand (G>A on the coding strand, the complement: PMS2 is on the minus strand). VCF-style: chr7-5995533-C-T. GRCh37 (hg19) VCF-style: chr7-6035164-C-T.
Other names: c.585+1G>A (NM_001322008.2, NM_001406902.1, NM_001406883.1 and 4 more transcripts); c.594+1G>A (NM_001406881.1, NM_001406879.1, NM_001322015.2 and 6 more transcripts); c.498+1G>A (NM_001406895.1, NM_001322010.2, NM_001322004.2 and 19 more transcripts); c.133-3476G>A (NM_001406911.1); c.390+1G>A (NM_001406904.1, NM_001406905.1); c.330+1G>A (NM_001322013.2, NM_001406909.1); c.-31+1G>A (NM_001322012.2, NM_001322011.2); c.567+1G>A (NM_001406885.1); and 8 more.
Identifiers: ClinVar variation 993233 (VCV000993233.12), dbSNP rs1554300689, ClinGen allele CA366743396.